The following is an entry in ClinVar:

NM_024426.6(WT1):c.1541A>T (p.Asn514Ile)

Gene: WT1 (WT1 transcription factor; minus strand). Cytogenetic location: 11p13.
Variant type: single nucleotide variant.
Coding change: c.1541A>T on transcript NM_024426.6 (MANE Select); coding-DNA position 1541, A replaced by T.
Protein change: p.Asn514Ile; replaces asparagine 514 with isoleucine.
Molecular consequence: missense variant. On other transcripts: non-coding transcript variant (1).
Genome position (GRCh38, 1-based): chr11:32,389,086, T>A on the plus strand (A>T on the coding strand, the complement: WT1 is on the minus strand). VCF-style: chr11-32389086-T-A. GRCh37 (hg19) VCF-style: chr11-32410632-T-A.
Other names: c.1481A>T, p.Asn494Ile (NM_000378.6); c.881A>T, p.Asn294Ile (NM_001198551.2); c.839A>T, p.Asn280Ile (NM_001198552.2); c.353A>T, p.Asn118Ile (NM_001367854.1); c.1526A>T, p.Asn509Ile (NM_001407044.1); c.1490A>T, p.Asn497Ile (NM_001407045.1); c.1448A>T, p.Asn483Ile (NM_001407046.1); c.1409A>T, p.Asn470Ile (NM_001407047.1); and 6 more; short protein forms N294I, N514I, N118I, N511I, N280I, N494I, N483I, N467I.
Identifiers: ClinVar variation 476692 (VCV000476692.12), dbSNP rs1554938531, ClinGen allele CA379957492.

ClinVar aggregate classification (germline): Uncertain significance (1 of 4 stars; one submission).

Conditions:
Wilms tumor 1 (WT1). Also called: Wilms tumor, somatic. Identifiers: Orphanet 654, MedGen CN033288, MONDO:0008679, OMIM 194070.
Drash syndrome (DDS). Also called: NEPHROPATHY, WILMS TUMOR, AND GENITAL ANOMALIES; WILMS TUMOR AND PSEUDO- OR TRUE HERMAPHRODITISM. Identifiers: Orphanet 220, MedGen C0950121, MONDO:0008682, OMIM 194080.
11p partial monosomy syndrome (WAGR). Also called: WAGR Spectrum Disorder; CHROMOSOME 11p13 DELETION SYNDROME; WAGR syndrome; WAGR Complex. Identifiers: Orphanet 893, MedGen C0206115, MONDO:0008681, OMIM 194072.
Frasier syndrome. Identifiers: Orphanet 347, MedGen C0950122, MeSH D052159, MONDO:0007635, OMIM 136680.

Submission:

Labcorp Genetics (formerly Invitae), Labcorp
Classification: Uncertain significance for Wilms tumor 1; Drash syndrome; 11p partial monosomy syndrome; Frasier syndrome. Last evaluated: 2019-06-01. Review status: criteria provided, single submitter. Criteria: Invitae Variant Classification Sherloc (09022015). Collection method: clinical testing. Allele origin: germline.
Comment: This sequence change replaces asparagine with isoleucine at codon 509 of the WT1 protein (p.Asn509Ile). The asparagine residue is highly conserved and there is a large physicochemical difference between asparagine and isoleucine. In summary, the available evidence is currently insufficient to determine the role of this variant in disease. Therefore, it has been classified as a Variant of Uncertain Significance. Algorithms developed to predict the effect of missense changes on protein structure and function (SIFT, PolyPhen-2, Align-GVGD) all suggest that this variant is likely to be disruptive, but these predictions have not been confirmed by published functional studies and their clinical significance is uncertain. This variant has not been reported in the literature in individuals with WT1-related disease. This variant is not present in population databases (ExAC no frequency).